The following is an entry in ClinVar:

ClinVar aggregate classification (germline): Likely pathogenic (1 of 4 stars; one submission).

Conditions:
Inborn genetic diseases. Identifiers: MedGen C0950123, MeSH D030342.

Submission:

Ambry Genetics
Classification: Likely pathogenic for Inborn genetic diseases. Last evaluated: 2026-02-10. Review status: criteria provided, single submitter. Criteria: Ambry Variant Classification Scheme 2023. Collection method: clinical testing. Allele origin: germline.
Comment: The c.4349T>C (p.L1450P) alteration is located in exon 20 (coding exon 20) of the DYNC1H1 gene. This alteration results from a T to C substitution at nucleotide position 4349, causing the leucine (L) at amino acid position 1450 to be replaced by a proline (P). This variant was not reported in population-based cohorts in the Genome Aggregation Database (gnomAD). This variant was reported in individual(s) with features consistent with DYNC1H1-related neurologic disorders (Esteller, 2023; Rossor, 2021). This amino acid position is highly conserved in available vertebrate species. This missense alteration is located in a region that has a low rate of benign missense variation (Lek, 2016; Firth, 2009). Based on internal structural analysis, this variant is anticipated to result in a significant decrease in structural stability (Ambry internal data). This alteration is predicted to be deleterious by in silico analysis. Based on the available evidence, this alteration is classified as likely pathogenic.

Literature cited by the submitters: PubMed 34736627; PubMed 37704504.

NM_001376.5(DYNC1H1):c.4349T>C (p.Leu1450Pro)

Gene: DYNC1H1 (dynein cytoplasmic 1 heavy chain 1; plus strand). Cytogenetic location: 14q32.31.
Variant type: single nucleotide variant.
Coding change: c.4349T>C on transcript NM_001376.5 (MANE Select); coding-DNA position 4349, T replaced by C.
Protein change: p.Leu1450Pro; replaces leucine 1450 with proline.
Molecular consequence: missense variant.
Genome position (GRCh38, 1-based): chr14:102,001,308, T>C. VCF-style: chr14-102001308-T-C. GRCh37 (hg19) VCF-style: chr14-102467645-T-C.
Other names: short protein forms L1450P.
Identifiers: ClinVar variation 4245726 (VCV004245726.2).
Genomic context (GRCh38, chr14:102,001,308, plus strand): 5'-CCCTTGGCCAAATCTGGGATGTTGACTTGCAGAAAAATGAAGCGATTGTCAAGGATGTAC[T>C]GCTTGTGGCACAAGGGGAGATGGCTTTGGAAGAATTTTTGAAGCAGGCGAGTAATAGGAC-3'
Protein context (NP_001367.2, residues 1440-1460): QKNEAIVKDV[Leu1450Pro]LVAQGEMALE